The following is an entry in ClinVar:

NM_002392.6(MDM2):c.643A>G (p.Arg215Gly)

Gene: MDM2 (MDM2 proto-oncogene; plus strand). Cytogenetic location: 12q15.
Variant type: single nucleotide variant.
Coding change: c.643A>G on transcript NM_002392.6 (MANE Select); coding-DNA position 643, A replaced by G.
Protein change: p.Arg215Gly; replaces arginine 215 with glycine.
Molecular consequence: missense variant. On other transcripts: intron variant (2).
Genome position (GRCh38, 1-based): chr12:68,828,890, A>G. VCF-style: chr12-68828890-A-G. GRCh37 (hg19) VCF-style: chr12-69222670-A-G.
Other names: c.625A>G, p.Arg209Gly (NM_001145337.3, NM_001367990.1); c.478A>G, p.Arg160Gly (NM_001145339.2); c.157-6939A>G (NM_001278462.2, NM_001145340.3); short protein forms R160G, R215G, R209G.
Identifiers: ClinVar variation 2067239 (VCV002067239.4), dbSNP rs1464729148, ClinGen allele CA385706809.

ClinVar aggregate classification (germline): Uncertain significance (1 of 4 stars; one submission).

Conditions:
Accelerated tumor formation, susceptibility to (ACTFS). Identifiers: MedGen C3280690, OMIM 614401, MONDO:0013733.

Allele frequency attached by ClinVar (database versions not stated): TOPMed 0.00002.

Submission:

Labcorp Genetics (formerly Invitae), Labcorp
Classification: Uncertain significance for Accelerated tumor formation, susceptibility to. Last evaluated: 2022-04-07. Review status: criteria provided, single submitter. Criteria: Invitae Variant Classification Sherloc (09022015). Collection method: clinical testing. Allele origin: germline.
Comment: Algorithms developed to predict the effect of missense changes on protein structure and function are either unavailable or do not agree on the potential impact of this missense change (SIFT: "Deleterious"; PolyPhen-2: "Probably Damaging"; Align-GVGD: "Class C0"). In summary, the available evidence is currently insufficient to determine the role of this variant in disease. Therefore, it has been classified as a Variant of Uncertain Significance. This variant has not been reported in the literature in individuals affected with MDM2-related conditions. This variant is not present in population databases (gnomAD no frequency). This sequence change replaces arginine, which is basic and polar, with glycine, which is neutral and non-polar, at codon 215 of the MDM2 protein (p.Arg215Gly).